The following is an entry in ClinVar:

ClinVar aggregate classification (germline): Conflicting classifications of pathogenicity. Review status: criteria provided, conflicting classifications (1 of 4 stars). 3 submissions from 3 submitters: Uncertain significance (2); Benign (1). Last evaluated 2023-06-01.

Allele frequency attached by ClinVar (database versions not stated): 1000 Genomes Project 0.00240; 1000 Genomes Project 30x 0.00281; ExAC 0.00495; TOPMed 0.00600; gnomAD exomes 0.00861 and 0.00903; gnomAD 0.00999 and 0.01032.
gnomAD v4.1: 1,522 of 154,818 alleles (0.98%); highest among the groups gnomAD compares: Non-Finnish European, 1.2%; 21 homozygotes.

Submissions (3):

CeGaT Center for Human Genetics Tuebingen
Classification: Benign. Last evaluated: 2023-06-01. Review status: criteria provided, single submitter. Criteria: CeGaT Center For Human Genetics Tuebingen Variant Classification Criteria Version 2. Collection method: clinical testing. Allele origin: germline. Affected: yes. Observed: 13 variant alleles.
Comment: DICER1: BS1, BS2

Laboratory for Molecular Medicine, Mass General Brigham Personalized Medicine
Classification: Uncertain significance. Last evaluated: 2016-03-29. Review status: criteria provided, single submitter. Criteria: LMM Criteria. Collection method: clinical testing. Allele origin: germline.
Comment: Variant identified in a genome or exome case(s) and assessed due to predicted null impact of the variant or pathogenic assertions in the literature or databases. Disclaimer: This variant has not undergone full assessment. The following are preliminary notes: classification based on MAF and lack of conservation at that base

Breakthrough Genomics
Classification: Uncertain significance. Review status: criteria provided, single submitter. Criteria: ACMG Guidelines, 2015. Collection method: not provided. Allele origin: germline. Inheritance: Autosomal dominant inheritance. Affected: yes.

NM_177438.3(DICER1):c.-45-4405C>T

Gene: DICER1 (dicer 1, ribonuclease III; minus strand). Cytogenetic location: 14q32.13.
Variant type: single nucleotide variant.
Coding change: c.-45-4405C>T on transcript NM_177438.3 (MANE Select); 4405 bases into the intron before 45 bases upstream of the start codon, C replaced by T.
Molecular consequence: intron variant.
Genome position (GRCh38, 1-based): chr14:95,137,908, G>A on the plus strand (C>T on the coding strand, the complement: DICER1 is on the minus strand). VCF-style: chr14-95137908-G-A. GRCh37 (hg19) VCF-style: chr14-95604245-G-A.
Other names: c.-41-4409C>T (NM_001291628.2); c.-46+2751C>T (NM_030621.4).
Identifiers: ClinVar variation 402593 (VCV000402593.29), dbSNP rs140969547, ClinGen allele CA7331770.